The following is an entry in ClinVar:

ClinVar aggregate classification (germline): Uncertain significance (1 of 4 stars; one submission).

Conditions:
Dilated cardiomyopathy 1AA (CMD1AA). Also called: CARDIOMYOPATHY, DILATED, 1AA, WITH OR WITHOUT LEFT VENTRICULAR NONCOMPACTION; CARDIOMYOPATHY, FAMILIAL HYPERTROPHIC, 23, WITH OR WITHOUT LEFT VENTRICULAR NONCOMPACTION; Cardiomyopathy, dilated, 1AA, with or without LVNC. Identifiers: Orphanet 154, MedGen C2677338, MONDO:0012808, OMIM 612158.
Primary familial hypertrophic cardiomyopathy (HCM). Identifiers: Orphanet 99739, MedGen C0949658, MeSH D024741, MONDO:0024573. Inheritance: Various modes of inheritance.

Submission:

Labcorp Genetics (formerly Invitae), Labcorp
Classification: Uncertain significance for Primary familial hypertrophic cardiomyopathy; Dilated cardiomyopathy 1AA. Last evaluated: 2025-01-31. Review status: criteria provided, single submitter. Criteria: Invitae Variant Classification Sherloc (09022015). Collection method: clinical testing. Allele origin: germline.
Comment: This sequence change replaces asparagine, which is neutral and polar, with lysine, which is basic and polar, at codon 2 of the ACTN2 protein (p.Asn2Lys). This variant is not present in population databases (gnomAD no frequency). This variant has not been reported in the literature in individuals affected with ACTN2-related conditions. ClinVar contains an entry for this variant (Variation ID: 2941969). An algorithm developed to predict the effect of missense changes on protein structure and function (PolyPhen-2) suggests that this variant is likely to be tolerated. In summary, the available evidence is currently insufficient to determine the role of this variant in disease. Therefore, it has been classified as a Variant of Uncertain Significance.

NM_001103.4(ACTN2):c.6C>G (p.Asn2Lys)

Gene: ACTN2 (actinin alpha 2; plus strand). Cytogenetic location: 1q43.
Variant type: single nucleotide variant.
Coding change: c.6C>G on transcript NM_001103.4 (MANE Select); coding-DNA position 6, C replaced by G.
Protein change: p.Asn2Lys; replaces asparagine 2 with lysine.
Molecular consequence: missense variant. On other transcripts: non-coding transcript variant (1).
Genome position (GRCh38, 1-based): chr1:236,686,679, C>G. VCF-style: chr1-236686679-C-G. GRCh37 (hg19) VCF-style: chr1-236849979-C-G.
Other names: c.6C>G, p.Asn2Lys (NM_001278343.2); c.-816C>G (NM_001278344.2); c.-941C>G (NM_001412150.1); short protein forms N2K.
Identifiers: ClinVar variation 2941969 (VCV002941969.3), dbSNP rs755508640, ClinGen allele CA345358037.
Genomic context (GRCh38, chr1:236,686,679, plus strand): 5'-AGCCCGTGCGTCCGAGCCCCTCGCGCCCCGCCGCAGCCCCGGCCAACCGAGCGCCATGAA[C>G]CAGATAGAGCCCGGCGTGCAGTACAACTACGTGTACGACGAGGATGAGTACATGATCCAG-3'
Protein context (NP_001094.1, residues 1-12): M[Asn2Lys]QIEPGVQYNY